The following is an entry in ClinVar:

NM_000023.4(SGCA):c.37+23G>A

Gene: SGCA (sarcoglycan alpha; plus strand). Cytogenetic location: 17q21.33.
Variant type: single nucleotide variant.
Coding change: c.37+23G>A on transcript NM_000023.4 (MANE Select); 23 bases into the intron after coding-DNA position 37, G replaced by A.
Molecular consequence: intron variant.
Genome position (GRCh38, 1-based): chr17:50,166,100, G>A. VCF-style: chr17-50166100-G-A. GRCh37 (hg19) VCF-style: chr17-48243461-G-A.
Other names: c.37+23G>A (LRG_203t1, NM_001135697.3).
Identifiers: ClinVar variation 254719 (VCV000254719.13), dbSNP rs79410682, ClinGen allele CA8643656.

ClinVar aggregate classification (germline): Benign. Review status: reviewed by expert panel (3 of 4 stars). 7 submissions from 7 submitters: Benign (1). 6 of the submissions do not count toward it. Last evaluated 2025-01-07.

Conditions:
Autosomal recessive limb-girdle muscular dystrophy. Identifiers: Orphanet 102015, MedGen C2931907, MONDO:0015152.
Autosomal recessive limb-girdle muscular dystrophy type 2D (LGMDR3). Also called: ADHALINOPATHY, PRIMARY; DUCHENNE-LIKE AUTOSOMAL RECESSIVE MUSCULAR DYSTROPHY, TYPE 2; MUSCULAR DYSTROPHY, LIMB-GIRDLE, AUTOSOMAL RECESSIVE 3. Identifiers: Orphanet 62, MedGen C2936332, MONDO:0011968, OMIM 608099. Disease mechanism: Affects gamma-sarcoglycan and also disrupts the integrity of the entire sarcoglycan complex..

Allele frequency attached by ClinVar (database versions not stated): 1000 Genomes Project 0.02835; 1000 Genomes Project 30x 0.02873; TOPMed 0.04145; ESP Exome Variant Server 0.04575; gnomAD 0.04607 and 0.04614; gnomAD exomes 0.05337 and 0.05992; ExAC 0.05445.
gnomAD v4.1: 93,654 of 1,602,178 alleles (5.8%); highest among the groups gnomAD compares: Middle Eastern, 7.1%; 3,107 homozygotes.

Submissions (7):

ClinGen Limb Girdle Muscular Dystrophy Variant Curation Expert Panel, ClinGen
Classification: Benign for Autosomal recessive limb-girdle muscular dystrophy. Last evaluated: 2025-01-07. Review status: reviewed by expert panel. Criteria: ClinGen LGMD VCEP ACMG Specifications SGCA V1.0.0. Collection method: curation. Allele origin: germline. Inheritance: Autosomal recessive inheritance.
Comment: The NM_000023.4: c.37+23G>A variant in SGCA is located in intron 1 of 9. The filtering allele frequency of this variant in SGCA is 0.06791 (the lower threshold of the 95% CI of 1625/21638 exome chromosomes) in the European (non-Finnish) population in gnomAD v2.1.1, which is higher than the ClinGen LGMD VCEP threshold (>0.002) for BA1 and therefore meets this criterion (BA1). This variant is not located in a splice region and is not predicted to impact splicing by SpliceAI (BP4, BP7). In summary, this variant meets the criteria to be classified as Benign for autosomal recessive limb girdle muscular dystrophy based on the ACMG/AMP criteria applied, as specified by the ClinGen LGMD VCEP (LGMD VCEP specifications version 1.0.0; 01/07/2025): BA1, BP4, BP7.

Labcorp Genetics (formerly Invitae), Labcorp
Classification: Benign for Autosomal recessive limb-girdle muscular dystrophy type 2D. Last evaluated: 2024-05-07. Review status: criteria provided, single submitter. Criteria: Invitae Variant Classification Sherloc (09022015). Collection method: clinical testing. Allele origin: germline. Not counted in ClinVar's aggregate classification.

Genome-Nilou Lab
Classification: Benign for Autosomal recessive limb-girdle muscular dystrophy type 2D. Last evaluated: 2021-06-10. Review status: criteria provided, single submitter. Criteria: ACMG Guidelines, 2015. Collection method: clinical testing. Allele origin: germline. Affected: no. Not counted in ClinVar's aggregate classification.

GeneDx
Classification: Benign. Last evaluated: 2018-06-26. Review status: criteria provided, single submitter. Criteria: GeneDx Variant Classification Process June 2021. Collection method: clinical testing. Allele origin: germline. Affected: yes. Not counted in ClinVar's aggregate classification.
Comment: This variant is associated with the following publications: (PMID: 32875335)

Athena Diagnostics
Classification: Benign. Last evaluated: 2017-08-11. Review status: criteria provided, single submitter. Criteria: Athena Diagnostics Criteria. Collection method: clinical testing. Allele origin: germline. Not counted in ClinVar's aggregate classification.

Breakthrough Genomics
Classification: Likely benign. Review status: criteria provided, single submitter. Criteria: ACMG Guidelines, 2015. Collection method: not provided. Allele origin: germline. Inheritance: Autosomal recessive inheritance. Affected: yes. Not counted in ClinVar's aggregate classification.

PreventionGenetics, part of Exact Sciences
Classification: Likely benign. Review status: criteria provided, single submitter. Criteria: ACMG Guidelines, 2015. Collection method: clinical testing. Allele origin: germline. Not counted in ClinVar's aggregate classification.